The following is an entry in ClinVar:

NM_020975.6(RET):c.825C>T (p.Gly275=)

Gene: RET (ret proto-oncogene; plus strand). Cytogenetic location: 10q11.21.
Variant type: single nucleotide variant.
Coding change: c.825C>T on transcript NM_020975.6 (MANE Select); coding-DNA position 825, C replaced by T.
Protein change: p.Gly275=; no amino-acid change (glycine 275 retained).
Molecular consequence: synonymous variant. On other transcripts: intron variant (22).
Genome position (GRCh38, 1-based): chr10:43,105,151, C>T. VCF-style: chr10-43105151-C-T. GRCh37 (hg19) VCF-style: chr10-43600599-C-T.
Other names: c.825C>T, p.Gly275= (NM_000323.2, NM_001406743.1, NM_001406744.1 and 8 more transcripts); c.63C>T, p.Gly21= (NM_001355216.2); c.696C>T, p.Gly232= (NM_001406761.1, NM_001406762.1, NM_001406764.1 and 2 more transcripts); c.537C>T, p.Gly179= (NM_001406766.1, NM_001406767.1, NM_001406770.1); c.625+2522C>T (NM_001406773.1, NM_001406771.1, NM_001406782.1 and 5 more transcripts); c.496+2522C>T (NM_001406786.1, NM_001406783.1); c.338-3880C>T (NM_001406778.1, NM_001406775.1, NM_001406776.1 and 1 more transcripts); c.337+4429C>T (NM_001406790.1, NM_001406788.1, NM_001406789.1 and 1 more transcripts); and 2 more.
Identifiers: ClinVar variation 697406 (VCV000697406.51), dbSNP rs150797149, ClinGen allele CA045012.

ClinVar aggregate classification (germline): Likely benign. Review status: criteria provided, multiple submitters, no conflicts (2 of 4 stars). 7 submissions from 7 submitters: Likely benign (6). 1 of the submissions does not count toward it. Last evaluated 2025-12-22.

Conditions:
RET-related disorder. Also called: RET-related disorders; RET-related condition; RET-related disease.
Hereditary cancer-predisposing syndrome. Also called: Neoplastic Syndromes, Hereditary; Hereditary Cancer Syndrome; Tumor predisposition; Hereditary neoplastic syndrome. Identifiers: Orphanet 140162, MedGen C0027672, MeSH D009386, MONDO:0015356.
Hirschsprung disease, susceptibility to, 1 (HSCR1). Also called: RET-Related Hirschsprung Disease. Identifiers: Orphanet 388, MedGen C3888239, MONDO:0007723, OMIM 142623.
Multiple endocrine neoplasia type 2B. Also called: MEN 2B; MUCOSAL NEUROMA SYNDROME; Multiple endocrine neoplasia, type 3; MULTIPLE ENDOCRINE NEOPLASIA, TYPE IIB; Multiple Endocrine Neoplasia Type 2B (MEN2B); MEN IIB. Identifiers: Orphanet 247709, Orphanet 653, MedGen C0025269, MeSH D018814, MONDO:0008082, OMIM 162300.
Pheochromocytoma. Also called: MAX-Related Hereditary Paraganglioma-Pheochromocytoma Syndrome. Identifiers: Orphanet 29072, MedGen C0031511, MONDO:0008233, OMIM 171300, HP:0002666.
Familial medullary thyroid carcinoma (MTC). Also called: Thyroid cancer, familial medullary; MTC, familial; Familial Medullary Thyroid Carcinoma (FMTC). Identifiers: Orphanet 653, Orphanet 99361, MedGen C1833921, MONDO:0007958, OMIM 155240.
Multiple endocrine neoplasia type 2A. Also called: MULTIPLE ENDOCRINE NEOPLASIA, TYPE IIA; PTC SYNDROME; SIPPLE SYNDROME; MEN 2A; MEN-2A syndrome; Pheochromocytoma and amyloid producing medullary thyroid carcinoma. Identifiers: Orphanet 247698, Orphanet 653, MedGen C0025268, MeSH D018813, MONDO:0008234, OMIM 171400.
Multiple endocrine neoplasia, type 2 (MEN2). Identifiers: Orphanet 653, MedGen C4048306, MONDO:0019003. Disease mechanism: gain of function.

Allele frequency attached by ClinVar (database versions not stated): gnomAD exomes below 0.00001; ExAC 0.00001; gnomAD 0.00002; TOPMed 0.00002; ESP Exome Variant Server 0.00008.
gnomAD v4.1: 4 of 1,612,530 alleles (0.00025%); highest among the groups gnomAD compares: Admixed American, 0.0017%; no homozygotes.

Submissions (7):

Labcorp Genetics (formerly Invitae), Labcorp
Classification: Likely benign for Multiple endocrine neoplasia, type 2. Last evaluated: 2025-12-22. Review status: criteria provided, single submitter. Criteria: Invitae Variant Classification Sherloc (09022015). Collection method: clinical testing. Allele origin: germline.

Blueprint Genetics
Classification: Likely benign. Last evaluated: 2024-05-13. Review status: criteria provided, single submitter. Criteria: ACMG Guidelines, 2015. Collection method: clinical testing. Allele origin: germline.

All of Us Research Program, National Institutes of Health
Classification: Likely benign for Multiple endocrine neoplasia, type 2. Last evaluated: 2023-12-13. Review status: criteria provided, single submitter. Criteria: ACMG Guidelines, 2015. Collection method: clinical testing. Allele origin: germline. Inheritance: Autosomal dominant inheritance. Observed: 1 variant allele, 1 heterozygote.
Comment: This study involves interpretation of variants in research participants for the purpose of population health screening. Participant phenotype was not available at the time of variant classification. Additional details can be found in publication PMID: 35346344, PMCID: PMC8962531

Fulgent Genetics
Classification: Likely benign for Hirschsprung disease, susceptibility to, 1; Familial medullary thyroid carcinoma; Multiple endocrine neoplasia type 2B; Pheochromocytoma; Multiple endocrine neoplasia type 2A. Last evaluated: 2022-03-22. Review status: criteria provided, single submitter. Criteria: ACMG Guidelines, 2015. Collection method: clinical testing. Allele origin: unknown.

CeGaT Center for Human Genetics Tuebingen
Classification: Likely benign. Last evaluated: 2021-02-01. Review status: criteria provided, single submitter. Criteria: CeGaT Center For Human Genetics Tuebingen Variant Classification Criteria Version 2. Collection method: clinical testing. Allele origin: germline. Affected: yes. Observed: 1 variant allele.

Ambry Genetics
Classification: Likely benign for Hereditary cancer-predisposing syndrome. Last evaluated: 2020-09-16. Review status: criteria provided, single submitter. Criteria: Ambry Variant Classification Scheme 2023. Collection method: clinical testing. Allele origin: germline.

PreventionGenetics, part of Exact Sciences
Classification: Likely benign for RET-related condition. Last evaluated: 2019-09-26. Review status: no assertion criteria provided. Collection method: clinical testing. Allele origin: germline. Not counted in ClinVar's aggregate classification.
Comment: This variant is classified as likely benign based on ACMG/AMP sequence variant interpretation guidelines (Richards et al. 2015 PMID: 25741868, with internal and published modifications).